The following is an entry in ClinVar:

ClinVar aggregate classification (germline): Uncertain significance. Review status: criteria provided, multiple submitters, no conflicts (2 of 4 stars). 3 submissions from 3 submitters: Uncertain significance (3). Last evaluated 2025-01-02.

Conditions:
Familial adenomatous polyposis 1 (FAP1). Also called: POLYPOSIS, ADENOMATOUS INTESTINAL; FAMILIAL ADENOMATOUS POLYPOSIS 1, ATTENUATED. Identifiers: MedGen C2713442, MONDO:0021056, OMIM 175100. Disease mechanism: loss of function.
Hereditary cancer-predisposing syndrome. Also called: Hereditary neoplastic syndrome; Neoplastic Syndromes, Hereditary; Tumor predisposition; Hereditary Cancer Syndrome. Identifiers: Orphanet 140162, MedGen C0027672, MeSH D009386, MONDO:0015356.

Submissions (3):

Ambry Genetics
Classification: Uncertain significance for Hereditary cancer-predisposing syndrome. Last evaluated: 2025-01-02. Review status: criteria provided, single submitter. Criteria: Ambry Variant Classification Scheme 2023. Collection method: clinical testing. Allele origin: germline.
Comment: The p.E1169G variant (also known as c.3506A>G), located in coding exon 15 of the APC gene, results from an A to G substitution at nucleotide position 3506. The glutamic acid at codon 1169 is replaced by glycine, an amino acid with similar properties. This amino acid position is highly conserved in available vertebrate species. In addition, in silico predictors for this gene do not accurately predict pathogenicity. Based on the available evidence, the clinical significance of this variant remains unclear.

Labcorp Genetics (formerly Invitae), Labcorp
Classification: Uncertain significance for Familial adenomatous polyposis 1. Last evaluated: 2024-02-23. Review status: criteria provided, single submitter. Criteria: Invitae Variant Classification Sherloc (09022015). Collection method: clinical testing. Allele origin: germline.
Comment: This sequence change replaces glutamic acid, which is acidic and polar, with glycine, which is neutral and non-polar, at codon 1169 of the APC protein (p.Glu1169Gly). This variant is not present in population databases (gnomAD no frequency). This variant has not been reported in the literature in individuals affected with APC-related conditions. ClinVar contains an entry for this variant (Variation ID: 469923). Advanced modeling of protein sequence and biophysical properties (such as structural, functional, and spatial information, amino acid conservation, physicochemical variation, residue mobility, and thermodynamic stability) performed at Invitae indicates that this missense variant is not expected to disrupt APC protein function with a negative predictive value of 95%. In summary, the available evidence is currently insufficient to determine the role of this variant in disease. Therefore, it has been classified as a Variant of Uncertain Significance.

Color Diagnostics, LLC DBA Color Health
Classification: Uncertain significance for Hereditary cancer-predisposing syndrome. Last evaluated: 2023-12-04. Review status: criteria provided, single submitter. Criteria: ACMG Guidelines, 2015. Collection method: clinical testing. Allele origin: germline.
Comment: This missense variant replaces glutamic acid with glycine at codon 1169 of the APC protein. Computational prediction is inconclusive regarding the impact of this variant on protein structure and function (internally defined REVEL score threshold 0.5 < inconclusive < 0.7, PMID: 27666373). To our knowledge, functional studies have not been reported for this variant. This variant has not been reported in individuals affected with APC-related disorders in the literature. This variant has not been identified in the general population by the Genome Aggregation Database (gnomAD). The available evidence is insufficient to determine the role of this variant in disease conclusively. Therefore, this variant is classified as a Variant of Uncertain Significance.

NM_000038.6(APC):c.3506A>G (p.Glu1169Gly)

Gene: APC (APC regulator of Wnt signaling pathway; plus strand). Cytogenetic location: 5q22.2.
Variant type: single nucleotide variant.
Coding change: c.3506A>G on transcript NM_000038.6 (MANE Select); coding-DNA position 3506, A replaced by G.
Protein change: p.Glu1169Gly; replaces glutamic acid 1169 with glycine.
Molecular consequence: missense variant.
Genome position (GRCh38, 1-based): chr5:112,839,100, A>G. VCF-style: chr5-112839100-A-G. GRCh37 (hg19) VCF-style: chr5-112174797-A-G.
Other names: c.3506A>G, p.Glu1169Gly (NM_001127510.3, NM_001354895.2); c.3452A>G, p.Glu1151Gly (NM_001127511.3); c.3560A>G, p.Glu1187Gly (NM_001354896.2); c.3536A>G, p.Glu1179Gly (NM_001354897.2); c.3431A>G, p.Glu1144Gly (NM_001354898.2); c.3422A>G, p.Glu1141Gly (NM_001354899.2); c.3383A>G, p.Glu1128Gly (NM_001354900.2); c.3329A>G, p.Glu1110Gly (NM_001354901.2); and 5 more; short protein forms E1151G, E1169G, E1078G, E1110G, E1141G, E1144G, E1179G, E886G.
Identifiers: ClinVar variation 469923 (VCV000469923.17), dbSNP rs1554085069, ClinGen allele CA16029034.
Genomic context (GRCh38, chr5:112,839,100, plus strand): 5'-AAGAAGAACAGCATGAAGAAGAAGAGAGACCAACAAATTATAGCATAAAATATAATGAAG[A>G]GAAACGTCATGTGGATCAGCCTATTGATTATAGTTTAAAATATGCCACAGATATTCCTTC-3'
Protein context (NP_000029.2, residues 1159-1179): PTNYSIKYNE[Glu1169Gly]KRHVDQPIDY